The following is an entry in ClinVar:

ClinVar aggregate classification (germline): Uncertain significance. Review status: criteria provided, multiple submitters, no conflicts (2 of 4 stars). 2 submissions from 2 submitters: Uncertain significance (2). Last evaluated 2024-01-09.

Conditions:
Renal dysplasia, cystic, susceptibility to. Identifiers: MedGen C3275898, MONDO:0011037, OMIM 601331.

Allele frequency attached by ClinVar (database versions not stated): TOPMed below 0.00001; ExAC 0.00001; gnomAD 0.00001; 1000 Genomes Project 30x 0.00016; 1000 Genomes Project 0.00020.
gnomAD v4.1: 41 of 1,606,732 alleles (0.0026%); highest among the groups gnomAD compares: Non-Finnish European, 0.0035%; no homozygotes.

Submissions (2):

Fulgent Genetics
Classification: Uncertain significance for Renal dysplasia, cystic, susceptibility to. Last evaluated: 2024-01-09. Review status: criteria provided, single submitter. Criteria: ACMG Guidelines, 2015. Collection method: clinical testing. Allele origin: germline.

Labcorp Genetics (formerly Invitae), Labcorp
Classification: Uncertain significance. Last evaluated: 2023-06-27. Review status: criteria provided, single submitter. Criteria: Invitae Variant Classification Sherloc (09022015). Collection method: clinical testing. Allele origin: germline.
Comment: In summary, the available evidence is currently insufficient to determine the role of this variant in disease. Therefore, it has been classified as a Variant of Uncertain Significance. An algorithm developed to predict the effect of missense changes on protein structure and function (PolyPhen-2) suggests that this variant is likely to be tolerated. This variant has not been reported in the literature in individuals affected with BICC1-related conditions. This variant is present in population databases (rs537799012, gnomAD 0.0009%). This sequence change replaces methionine, which is neutral and non-polar, with valine, which is neutral and non-polar, at codon 61 of the BICC1 protein (p.Met61Val).

NM_001080512.3(BICC1):c.181A>G (p.Met61Val)

Gene: BICC1 (BicC family RNA binding protein 1; plus strand). Cytogenetic location: 10q21.1.
Variant type: single nucleotide variant.
Coding change: c.181A>G on transcript NM_001080512.3 (MANE Select); coding-DNA position 181, A replaced by G.
Protein change: p.Met61Val; replaces methionine 61 with valine.
Molecular consequence: missense variant.
Genome position (GRCh38, 1-based): chr10:58,513,324, A>G. VCF-style: chr10-58513324-A-G. GRCh37 (hg19) VCF-style: chr10-60273084-A-G.
Other names: short protein forms M61V.
Identifiers: ClinVar variation 2868359 (VCV002868359.4), dbSNP rs537799012, ClinGen allele CA5508139.